The following is an entry in ClinVar:

NM_002225.5(IVD):c.879-5G>A

Gene: IVD (isovaleryl-CoA dehydrogenase; plus strand). Cytogenetic location: 15q15.1.
Variant type: single nucleotide variant.
Coding change: c.879-5G>A on transcript NM_002225.5 (MANE Select); 5 bases into the intron before coding-DNA position 879, G replaced by A.
Molecular consequence: intron variant.
Genome position (GRCh38, 1-based): chr15:40,415,396, G>A. VCF-style: chr15-40415396-G-A. GRCh37 (hg19) VCF-style: chr15-40707595-G-A.
Other names: c.966-5G>A (NM_001354600.3, NM_001354599.3); c.879-5G>A (NM_001354598.3, NM_001354601.3); c.831-5G>A (NM_001354597.3); c.789-5G>A (NM_001159508.3).
Identifiers: ClinVar variation 315800 (VCV000315800.17), dbSNP rs750569823, ClinGen allele CA7480790.

ClinVar aggregate classification (germline): Conflicting classifications of pathogenicity. Review status: criteria provided, conflicting classifications (1 of 4 stars). 4 submissions from 4 submitters: Uncertain significance (2); Likely benign (2). Last evaluated 2024-12-18.

Conditions:
Inborn genetic diseases. Identifiers: MedGen C0950123, MeSH D030342.
Isovaleryl-CoA dehydrogenase deficiency (IVA). Also called: ISOVALERIC ACID CoA DEHYDROGENASE DEFICIENCY; IVD DEFICIENCY; Isovaleric acidemia; Classic Isovaleric Acidemia. Identifiers: Orphanet 33, MedGen C0268575, MONDO:0009475, OMIM 243500.

Allele frequency attached by ClinVar (database versions not stated): ExAC 0.00007; TOPMed 0.00008; gnomAD exomes 0.00012 and 0.00016; gnomAD 0.00013 and 0.00014.
gnomAD v4.1: 256 of 1,613,794 alleles (0.016%); highest among the groups gnomAD compares: Non-Finnish European, 0.021%; no homozygotes.

Submissions (4):

Labcorp Genetics (formerly Invitae), Labcorp
Classification: Likely benign for Isovaleryl-CoA dehydrogenase deficiency. Last evaluated: 2024-12-18. Review status: criteria provided, single submitter. Criteria: Invitae Variant Classification Sherloc (09022015). Collection method: clinical testing. Allele origin: germline.

Ambry Genetics
Classification: Uncertain significance for Inborn genetic diseases. Last evaluated: 2023-09-27. Review status: criteria provided, single submitter. Criteria: Ambry Variant Classification Scheme 2023. Collection method: clinical testing. Allele origin: germline.
Comment: The c.888-5G>A intronic alteration consists of a G to A substitution 5 nucleotides before coding exon 9 in the IVD gene. Based on insufficient or conflicting evidence, the clinical significance of this alteration remains unclear.

Illumina Laboratory Services, Illumina
Classification: Uncertain significance for Isovaleryl-CoA dehydrogenase deficiency. Last evaluated: 2018-01-13. Review status: criteria provided, single submitter. Criteria: ICSL Variant Classification Criteria 13 December 2019. Collection method: clinical testing. Allele origin: germline.

GeneDx
Classification: Likely benign. Last evaluated: 2016-10-14. Review status: criteria provided, single submitter. Criteria: GeneDx Variant Classification (06012015). Collection method: clinical testing. Allele origin: germline. Affected: yes.
Comment: This variant is considered likely benign or benign based on one or more of the following criteria: it is a conservative change, it occurs at a poorly conserved position in the protein, it is predicted to be benign by multiple in silico algorithms, and/or has population frequency not consistent with disease.